The following is an entry in ClinVar:

NM_000492.4(CFTR):c.3518G>A (p.Gly1173Asp)

Genes: CFTR (CF transmembrane conductance regulator; plus strand), CFTR-AS2 (CFTR antisense RNA 2; minus strand). Cytogenetic location: 7q31.2.
Variant type: single nucleotide variant.
Coding change: c.3518G>A on transcript NM_000492.4 (MANE Select); coding-DNA position 3518, G replaced by A.
Protein change: p.Gly1173Asp; replaces glycine 1173 with aspartic acid.
Molecular consequence: missense variant.
Genome position (GRCh38, 1-based): chr7:117,627,571, G>A. VCF-style: chr7-117627571-G-A. GRCh37 (hg19) VCF-style: chr7-117267625-G-A.
Other names: short protein forms G1173D.
Identifiers: ClinVar variation 1732224 (VCV001732224.2), dbSNP rs2485146189, ClinGen allele CA368996209.

ClinVar aggregate classification (germline): Uncertain significance (1 of 4 stars; one submission).

Conditions:
Cystic fibrosis (CF). Also called: MUCOVISCIDOSIS. Identifiers: Orphanet 586, MedGen C0010674, MONDO:0009061, OMIM 219700. Disease mechanism: loss of function.

Allele frequency attached by ClinVar (database versions not stated): gnomAD exomes below 0.00001.
gnomAD v4.1: 2 of 1,613,234 alleles (0.00012%); highest among the groups gnomAD compares: Non-Finnish European, 0.00017%; no homozygotes.

Submission:

Ambry Genetics
Classification: Uncertain significance for Cystic fibrosis. Last evaluated: 2022-08-22. Review status: criteria provided, single submitter. Criteria: Ambry Variant Classification Scheme 2023. Collection method: clinical testing. Allele origin: germline.
Comment: The p.G1173D variant (also known as c.3518G>A), located in coding exon 22 of the CFTR gene, results from a G to A substitution at nucleotide position 3518. The glycine at codon 1173 is replaced by aspartic acid, an amino acid with similar properties. This amino acid position is conserved. In addition, this alteration is predicted to be tolerated by in silico analysis. Since supporting evidence is limited at this time, the clinical significance of this alteration remains unclear.